The following is an entry in ClinVar:

NM_152383.5(DIS3L2):c.1033T>C (p.Ser345Pro)

Gene: DIS3L2 (DIS3 like 3'-5' exoribonuclease 2; plus strand). Cytogenetic location: 2q37.1.
Variant type: single nucleotide variant.
Coding change: c.1033T>C on transcript NM_152383.5 (MANE Select); coding-DNA position 1033, T replaced by C.
Protein change: p.Ser345Pro; replaces serine 345 with proline.
Molecular consequence: missense variant. On other transcripts: non-coding transcript variant (2).
Genome position (GRCh38, 1-based): chr2:232,163,541, T>C. VCF-style: chr2-232163541-T-C. GRCh37 (hg19) VCF-style: chr2-233028251-T-C.
Other names: c.1033T>C, p.Ser345Pro (NM_001257281.2); short protein forms S345P.
Identifiers: ClinVar variation 410732 (VCV000410732.11), dbSNP rs373488862, ClinGen allele CA2163996.

ClinVar aggregate classification (germline): Uncertain significance. Review status: criteria provided, multiple submitters, no conflicts (2 of 4 stars). 2 submissions from 2 submitters: Uncertain significance (2). Last evaluated 2025-11-26.

Conditions:
Perlman syndrome (PRLMNS). Identifiers: Orphanet 2849, MedGen C0796113, MONDO:0009965, OMIM 267000.
Inborn genetic diseases. Identifiers: MedGen C0950123, MeSH D030342.

Allele frequency attached by ClinVar (database versions not stated): gnomAD exomes 0.00001 and 0.00003; ExAC 0.00004; ESP Exome Variant Server 0.00008; gnomAD 0.00015 and 0.00016; TOPMed 0.00016; 1000 Genomes Project 0.00040; 1000 Genomes Project 30x 0.00078.
gnomAD v4.1: 40 of 1,614,180 alleles (0.0025%); highest among the groups gnomAD compares: African/African-American, 0.053%; no homozygotes.

Submissions (2):

Labcorp Genetics (formerly Invitae), Labcorp
Classification: Uncertain significance for Perlman syndrome. Last evaluated: 2025-11-26. Review status: criteria provided, single submitter. Criteria: Invitae Variant Classification Sherloc (09022015). Collection method: clinical testing. Allele origin: germline.
Comment: This sequence change replaces serine, which is neutral and polar, with proline, which is neutral and non-polar, at codon 345 of the DIS3L2 protein (p.Ser345Pro). This variant is present in population databases (rs373488862, gnomAD 0.05%). This variant has not been reported in the literature in individuals affected with DIS3L2-related conditions. ClinVar contains an entry for this variant (Variation ID: 410732). An algorithm developed to predict the effect of missense changes on protein structure and function (PolyPhen-2) suggests that this variant is likely to be disruptive. In summary, the available evidence is currently insufficient to determine the role of this variant in disease. Therefore, it has been classified as a Variant of Uncertain Significance.

Ambry Genetics
Classification: Uncertain significance for Inborn genetic diseases. Last evaluated: 2025-08-03. Review status: criteria provided, single submitter. Criteria: Ambry Variant Classification Scheme 2023. Collection method: clinical testing. Allele origin: germline.